The following is an entry in ClinVar:

ClinVar aggregate classification (germline): Uncertain significance (1 of 4 stars; one submission).

Conditions:
DICER1-related tumor predisposition. Also called: DICER1-related pleuropulmonary blastoma cancer predisposition syndrome; DICER1 syndrome. Identifiers: Orphanet 284343, MedGen C3839822, MONDO:0100216.

Submission:

Labcorp Genetics (formerly Invitae), Labcorp
Classification: Uncertain significance for DICER1-related tumor predisposition. Last evaluated: 2025-07-02. Review status: criteria provided, single submitter. Criteria: Invitae Variant Classification Sherloc (09022015). Collection method: clinical testing. Allele origin: germline.
Comment: This sequence change replaces alanine, which is neutral and non-polar, with glycine, which is neutral and non-polar, at codon 1900 of the DICER1 protein (p.Ala1900Gly). This variant is not present in population databases (gnomAD no frequency). This variant has not been reported in the literature in individuals affected with DICER1-related conditions. Invitae Evidence Modeling of protein sequence and biophysical properties (such as structural, functional, and spatial information, amino acid conservation, physicochemical variation, residue mobility, and thermodynamic stability) indicates that this missense variant is not expected to disrupt DICER1 protein function with a negative predictive value of 95%. In summary, the available evidence is currently insufficient to determine the role of this variant in disease. Therefore, it has been classified as a Variant of Uncertain Significance.

NM_177438.3(DICER1):c.5699C>G (p.Ala1900Gly)

Gene: DICER1 (dicer 1, ribonuclease III; minus strand). Cytogenetic location: 14q32.13.
Variant type: single nucleotide variant.
Coding change: c.5699C>G on transcript NM_177438.3 (MANE Select); coding-DNA position 5699, C replaced by G.
Protein change: p.Ala1900Gly; replaces alanine 1900 with glycine.
Molecular consequence: missense variant. On other transcripts: 3 prime UTR variant (1), non-coding transcript variant (6).
Genome position (GRCh38, 1-based): chr14:95,090,568, G>C on the plus strand (C>G on the coding strand, the complement: DICER1 is on the minus strand). VCF-style: chr14-95090568-G-C. GRCh37 (hg19) VCF-style: chr14-95556905-G-C.
Other names: c.*46C>G (NM_001195573.1); c.5699C>G, p.Ala1900Gly (NM_001271282.3, NM_001291628.2, NM_001395677.1 and 7 more transcripts); c.5417C>G, p.Ala1806Gly (NM_001395686.1); c.5294C>G, p.Ala1765Gly (NM_001395687.1, NM_001395688.1, NM_001395689.1 and 1 more transcripts); c.5132C>G, p.Ala1711Gly (NM_001395691.1); c.4016C>G, p.Ala1339Gly (NM_001395697.1); short protein forms A1711G, A1765G, A1806G, A1339G, A1900G.
Identifiers: ClinVar variation 4746753 (VCV004746753.1).